The following is an entry in ClinVar:

NM_000256.3(MYBPC3):c.1111C>G (p.Pro371Ala)

Gene: MYBPC3 (myosin binding protein C3; minus strand). Cytogenetic location: 11p11.2.
Variant type: single nucleotide variant.
Coding change: c.1111C>G on transcript NM_000256.3 (MANE Select); coding-DNA position 1111, C replaced by G.
Protein change: p.Pro371Ala; replaces proline 371 with alanine.
Molecular consequence: missense variant.
Genome position (GRCh38, 1-based): chr11:47,343,604, G>C on the plus strand (C>G on the coding strand, the complement: MYBPC3 is on the minus strand). VCF-style: chr11-47343604-G-C. GRCh37 (hg19) VCF-style: chr11-47365155-G-C.
Other names: short protein forms P371A.
Identifiers: ClinVar variation 1310656 (VCV001310656.2), dbSNP rs1003833483, ClinGen allele CA380329371.

ClinVar aggregate classification (germline): Uncertain significance (1 of 4 stars; one submission).

Allele frequency attached by ClinVar (database versions not stated): gnomAD exomes below 0.00001.
gnomAD v4.1: 1 of 1,612,202 alleles (0.000062%); highest among the groups gnomAD compares: African/African-American, 0.0013%; no homozygotes.

Submission:

GeneDx
Classification: Uncertain significance. Last evaluated: 2019-11-22. Review status: criteria provided, single submitter. Criteria: GeneDx Variant Classification Process June 2021. Collection method: clinical testing. Allele origin: germline. Affected: yes.
Comment: Has not been previously published as pathogenic or benign to our knowledge; Not observed at a significant frequency in large population cohorts (Lek et al., 2016); In silico analysis, which includes protein predictors and evolutionary conservation, supports a deleterious effect